The following is an entry in ClinVar:

NM_153240.5(NPHP3):c.788T>G (p.Ile263Arg)

Genes: NPHP3 (nephrocystin 3; minus strand), NPHP3-ACAD11 (NPHP3-ACAD11 readthrough (NMD candidate); minus strand). Cytogenetic location: 3q22.1.
Variant type: single nucleotide variant.
Coding change: c.788T>G on transcript NM_153240.5 (MANE Select); coding-DNA position 788, T replaced by G.
Protein change: p.Ile263Arg; replaces isoleucine 263 with arginine.
Molecular consequence: missense variant. On other transcripts: non-coding transcript variant (1).
Genome position (GRCh38, 1-based): chr3:132,716,792, A>C on the plus strand (T>G on the coding strand, the complement: NPHP3 is on the minus strand). VCF-style: chr3-132716792-A-C. GRCh37 (hg19) VCF-style: chr3-132435636-A-C.
Other names: short protein forms I263R.
Identifiers: ClinVar variation 2140288 (VCV002140288.4), dbSNP rs1047112547, ClinGen allele CA354586402.
Genomic context (GRCh38, chr3:132,716,792, plus strand): 5'-GTAATTGACAAACAGCATGTATTACCTCTATTAACATTTGCAAAGGGTCCTTCCACATCT[A>C]TAGAACTATGGGCAAACTCAGGGCCTCTGAAGGACTGCTGAAGCTGGATCATGCTTCCTA-3'
Protein context (NP_694972.3, residues 253-273): FRGPEFAHSS[Ile263Arg]DVEGPFANVN

ClinVar aggregate classification (germline): Uncertain significance (1 of 4 stars; one submission).

Conditions:
Nephronophthisis. Also called: Juvenile Nephronophthisis. Identifiers: Orphanet 655, MedGen C0687120, MONDO:0019005, HP:0000090.

Submission:

Labcorp Genetics (formerly Invitae), Labcorp
Classification: Uncertain significance for Nephronophthisis. Last evaluated: 2022-05-29. Review status: criteria provided, single submitter. Criteria: Invitae Variant Classification Sherloc (09022015). Collection method: clinical testing. Allele origin: germline.
Comment: In summary, the available evidence is currently insufficient to determine the role of this variant in disease. Therefore, it has been classified as a Variant of Uncertain Significance. Algorithms developed to predict the effect of missense changes on protein structure and function are either unavailable or do not agree on the potential impact of this missense change (SIFT: "Deleterious"; PolyPhen-2: "Benign"; Align-GVGD: "Class C0"). This variant has not been reported in the literature in individuals affected with NPHP3-related conditions. This variant is not present in population databases (gnomAD no frequency). This sequence change replaces isoleucine, which is neutral and non-polar, with arginine, which is basic and polar, at codon 263 of the NPHP3 protein (p.Ile263Arg).